The following is an entry in ClinVar:

NM_005591.4(MRE11):c.1012G>C (p.Glu338Gln)

Gene: MRE11 (MRE11 double strand break repair nuclease; minus strand). Cytogenetic location: 11q21.
Variant type: single nucleotide variant.
Coding change: c.1012G>C on transcript NM_005591.4 (MANE Select); coding-DNA position 1012, G replaced by C.
Protein change: p.Glu338Gln; replaces glutamic acid 338 with glutamine.
Molecular consequence: missense variant.
Genome position (GRCh38, 1-based): chr11:94,470,476, C>G on the plus strand (G>C on the coding strand, the complement: MRE11 is on the minus strand). VCF-style: chr11-94470476-C-G. GRCh37 (hg19) VCF-style: chr11-94203642-C-G.
Other names: c.1012G>C, p.Glu338Gln (NM_001330347.2, NM_005590.4); short protein forms E338Q.
Identifiers: ClinVar variation 821983 (VCV000821983.7), dbSNP rs754844454, ClinGen allele CA6235248.
Genomic context (GRCh38, chr11:94,470,476, plus strand): 5'-GGTGAATAATTCTTCAACTAAAGTAGATCTCATTGACTTTATCAAAAAGAATTACCTTCT[C>G]CAAACAGAAGCTTTGTATGGCTTGGGTTACTTTAGGATTATCTGGGTTAAAAATGTCTGG-3'
Protein context (NP_005582.1, residues 328-348): VTQAIQSFCL[Glu338Gln]KIEEMLENAE

ClinVar aggregate classification (germline): Uncertain significance. Review status: criteria provided, multiple submitters, no conflicts (2 of 4 stars). 3 submissions from 3 submitters: Uncertain significance (3). Last evaluated 2025-04-06.

Conditions:
Ataxia-telangiectasia-like disorder (ATLD). Identifiers: MedGen C1858391, MONDO:0011457.
Hereditary cancer-predisposing syndrome. Also called: Neoplastic Syndromes, Hereditary; Tumor predisposition; Hereditary Cancer Syndrome; Hereditary neoplastic syndrome. Identifiers: Orphanet 140162, MedGen C0027672, MeSH D009386, MONDO:0015356.

Allele frequency attached by ClinVar (database versions not stated): gnomAD exomes below 0.00001; TOPMed below 0.00001; ExAC 0.00001.
gnomAD v4.1: 2 of 1,612,632 alleles (0.00012%); highest among the groups gnomAD compares: Admixed American, 0.0033%; no homozygotes.

Submissions (3):

Ambry Genetics
Classification: Uncertain significance for Hereditary cancer-predisposing syndrome. Last evaluated: 2025-04-06. Review status: criteria provided, single submitter. Criteria: Ambry Variant Classification Scheme 2023. Collection method: clinical testing. Allele origin: germline.
Comment: The p.E338Q variant (also known as c.1012G>C), located in coding exon 8 of the MRE11A gene, results from a G to C substitution at nucleotide position 1012. The glutamic acid at codon 338 is replaced by glutamine, an amino acid with highly similar properties. This amino acid position is well conserved in available vertebrate species. In addition, this alteration is predicted to be tolerated by in silico analysis. Since supporting evidence is limited at this time, the clinical significance of this alteration remains unclear.

Labcorp Genetics (formerly Invitae), Labcorp
Classification: Uncertain significance for Ataxia-telangiectasia-like disorder. Last evaluated: 2023-08-11. Review status: criteria provided, single submitter. Criteria: Invitae Variant Classification Sherloc (09022015). Collection method: clinical testing. Allele origin: germline.
Comment: This variant is present in population databases (rs754844454, gnomAD 0.003%). This sequence change replaces glutamic acid, which is acidic and polar, with glutamine, which is neutral and polar, at codon 338 of the MRE11 protein (p.Glu338Gln). This variant has not been reported in the literature in individuals affected with MRE11-related conditions. ClinVar contains an entry for this variant (Variation ID: 821983). An algorithm developed to predict the effect of missense changes on protein structure and function (PolyPhen-2) suggests that this variant¬†is likely to be tolerated. In summary, the available evidence is currently insufficient to determine the role of this variant in disease. Therefore, it has been classified as a Variant of Uncertain Significance.

Blueprint Genetics
Classification: Uncertain significance. Last evaluated: 2018-03-21. Review status: criteria provided, single submitter. Criteria: ACMG Guidelines, 2015. Collection method: clinical testing. Allele origin: germline.